The following is an entry in ClinVar:

ClinVar aggregate classification (germline): Uncertain significance (1 of 4 stars; one submission).

Submission:

Women's Health and Genetics/Laboratory Corporation of America, LabCorp
Classification: Uncertain significance. Last evaluated: 2025-09-05. Review status: criteria provided, single submitter. Criteria: LabCorp Variant Classification Summary - May 2015. Collection method: clinical testing. Allele origin: germline.
Comment: Variant summary: AGL c.3083+3_3083+6dupATAT alters a non-conserved nucleotide located close to a canonical splice site and therefore could affect mRNA splicing, leading to a significantly altered protein sequence. Consensus agreement among computation tools predict no significant impact on normal splicing. However, these predictions have yet to be confirmed by functional studies. The variant was absent in 251260 control chromosomes. The available data on variant occurrences in the general population are insufficient to allow any conclusion about variant significance. To our knowledge, no occurrence of c.3083+3_3083+6dupATAT in individuals affected with AGL-related conditions and no experimental evidence demonstrating its impact on protein function have been reported. No submitters have cited clinical-significance assessments for this variant to ClinVar. Based on the evidence outlined above, the variant was classified as uncertain significance.

NM_000642.3(AGL):c.3083+2TA[4]

Gene: AGL (amylo-alpha-1,6-glucosidase and 4-alpha-glucanotransferase; plus strand). Cytogenetic location: 1p21.2.
Variant type: Microsatellite.
Coding change: c.3083+2TA[4] on transcript NM_000642.3 (MANE Select); four copies in a row of the 2-base unit TA starting at c.3083+2.
Molecular consequence: splice donor variant.
Genome position: GRCh38 VCF-style: chr1-99891740-G-GTATA. GRCh37 (hg19) VCF-style: chr1-100357296-G-GTATA.
Other names: c.2882+2TA[4] (NM_001425327.1); c.2879+2TA[4] (NM_001425328.1); c.2744+2TA[4] (NM_001425329.1); c.2705+2TA[4] (NM_001425332.1); c.3083+2TA[4] (NM_001425325.1, NM_000028.3, NM_000643.3 and 1 more transcripts); c.3035+2TA[4] (NM_000646.3); c.3062+2TA[4] (NM_001425326.1); c.3083+3_3083+6dupATAT (NM_000642.3).
Identifiers: ClinVar variation 4535722 (VCV004535722.1).